The following is an entry in ClinVar:

NM_000070.3(CAPN3):c.1733G>A (p.Arg578Lys)

Gene: CAPN3 (calpain 3; plus strand). Cytogenetic location: 15q15.1.
Variant type: single nucleotide variant.
Coding change: c.1733G>A on transcript NM_000070.3 (MANE Select); coding-DNA position 1733, G replaced by A.
Protein change: p.Arg578Lys; replaces arginine 578 with lysine.
Molecular consequence: missense variant.
Genome position (GRCh38, 1-based): chr15:42,402,990, G>A. VCF-style: chr15-42402990-G-A. GRCh37 (hg19) VCF-style: chr15-42695188-G-A.
Other names: c.1733G>A, p.Arg578Lys (NM_024344.2); c.1589G>A, p.Arg530Lys (NM_173087.2); c.197G>A, p.Arg66Lys (NM_173088.2); c.*849G>A (NM_212464.2); c.*1426G>A (NM_212467.2); short protein forms R66K, R530K, R578K.
Identifiers: ClinVar variation 2011660 (VCV002011660.4), dbSNP rs767580064, ClinGen allele CA7511473.

ClinVar aggregate classification (germline): Uncertain significance (1 of 4 stars; one submission).

Conditions:
Autosomal recessive limb-girdle muscular dystrophy type 2A (LGMDR1). Also called: Muscular dystrophy, limb-girdle, type 2A, Amish; LEYDEN-MOEBIUS MUSCULAR DYSTROPHY; MUSCULAR DYSTROPHY, PELVOFEMORAL; Limb-girdle muscular dystrophy, type 2A; Calpainopathy. Identifiers: Orphanet 267, MedGen C1869123, MONDO:0009675, OMIM 253600. Disease mechanism: loss of function.

Allele frequency attached by ClinVar (database versions not stated): gnomAD exomes below 0.00001; ExAC 0.00001.
gnomAD v4.1: 2 of 1,614,082 alleles (0.00012%); highest among the groups gnomAD compares: African/African-American, 0.0013%; no homozygotes.

Submission:

Labcorp Genetics (formerly Invitae), Labcorp
Classification: Uncertain significance for Autosomal recessive limb-girdle muscular dystrophy type 2A. Last evaluated: 2022-06-27. Review status: criteria provided, single submitter. Criteria: Invitae Variant Classification Sherloc (09022015). Collection method: clinical testing. Allele origin: germline.
Comment: This sequence change replaces arginine, which is basic and polar, with lysine, which is basic and polar, at codon 578 of the CAPN3 protein (p.Arg578Lys). This variant is present in population databases (rs767580064, gnomAD 0.007%). In summary, the available evidence is currently insufficient to determine the role of this variant in disease. Therefore, it has been classified as a Variant of Uncertain Significance. Algorithms developed to predict the effect of missense changes on protein structure and function (SIFT, PolyPhen-2, Align-GVGD) all suggest that this variant is likely to be tolerated. This variant has not been reported in the literature in individuals affected with CAPN3-related conditions.